The following is an entry in ClinVar:

ClinVar aggregate classification (germline): Conflicting classifications of pathogenicity. Review status: criteria provided, conflicting classifications (1 of 4 stars). 2 submissions from 2 submitters: Uncertain significance (1); Likely benign (1). Last evaluated 2024-11-18.

Conditions:
Inborn genetic diseases. Identifiers: MedGen C0950123, MeSH D030342.
Perlman syndrome (PRLMNS). Identifiers: Orphanet 2849, MedGen C0796113, MONDO:0009965, OMIM 267000.

Allele frequency attached by ClinVar (database versions not stated): TOPMed below 0.00001; ExAC 0.00001; gnomAD exomes 0.00001.
gnomAD v4.1: 8 of 1,612,070 alleles (0.0005%); highest among the groups gnomAD compares: South Asian, 0.0033%; no homozygotes.

Submissions (2):

Labcorp Genetics (formerly Invitae), Labcorp
Classification: Uncertain significance for Perlman syndrome. Last evaluated: 2024-11-18. Review status: criteria provided, single submitter. Criteria: Invitae Variant Classification Sherloc (09022015). Collection method: clinical testing. Allele origin: germline.
Comment: This sequence change replaces valine, which is neutral and non-polar, with methionine, which is neutral and non-polar, at codon 632 of the DIS3L2 protein (p.Val632Met). The frequency data for this variant in the population databases is considered unreliable, as metrics indicate poor data quality at this position in the gnomAD database. This variant has not been reported in the literature in individuals affected with DIS3L2-related conditions. ClinVar contains an entry for this variant (Variation ID: 241966). Invitae Evidence Modeling of protein sequence and biophysical properties (such as structural, functional, and spatial information, amino acid conservation, physicochemical variation, residue mobility, and thermodynamic stability) indicates that this missense variant is not expected to disrupt DIS3L2 protein function with a negative predictive value of 80%. In summary, the available evidence is currently insufficient to determine the role of this variant in disease. Therefore, it has been classified as a Variant of Uncertain Significance.

Ambry Genetics
Classification: Likely benign for Inborn genetic diseases. Last evaluated: 2023-04-07. Review status: criteria provided, single submitter. Criteria: Ambry Variant Classification Scheme 2023. Collection method: clinical testing. Allele origin: germline.

NM_152383.5(DIS3L2):c.1894G>A (p.Val632Met)

Gene: DIS3L2 (DIS3 like 3'-5' exoribonuclease 2; plus strand). Cytogenetic location: 2q37.1.
Variant type: single nucleotide variant.
Coding change: c.1894G>A on transcript NM_152383.5 (MANE Select); coding-DNA position 1894, G replaced by A.
Protein change: p.Val632Met; replaces valine 632 with methionine.
Molecular consequence: missense variant. On other transcripts: non-coding transcript variant (2), intron variant (1).
Genome position (GRCh38, 1-based): chr2:232,329,967, G>A. VCF-style: chr2-232329967-G-A. GRCh37 (hg19) VCF-style: chr2-233194677-G-A.
Other names: c.1582-13378G>A (NM_001257281.2); short protein forms V632M.
Identifiers: ClinVar variation 241966 (VCV000241966.10), dbSNP rs754433044, ClinGen allele CA2164296.